The following is an entry in ClinVar:

NM_001111125.3(IQSEC2):c.1401+7A>G

Gene: IQSEC2 (IQ motif and Sec7 domain ArfGEF 2; minus strand). Cytogenetic location: Xp11.22.
Variant type: single nucleotide variant.
Coding change: c.1401+7A>G on transcript NM_001111125.3 (MANE Select); 7 bases into the intron after coding-DNA position 1401, A replaced by G.
Molecular consequence: intron variant.
Genome position (GRCh38, 1-based): chrX:53,254,523, T>C on the plus strand (A>G on the coding strand, the complement: IQSEC2 is on the minus strand). VCF-style: chrX-53254523-T-C. GRCh37 (hg19) VCF-style: chrX-53283705-T-C.
Other names: c.786+7A>G (NM_015075.2).
Identifiers: ClinVar variation 1601626 (VCV001601626.13), dbSNP rs782164403, ClinGen allele CA10420079.
Genomic context (GRCh38, chrX:53,254,523, plus strand): 5'-GTAAAAAGTAGCAGGAGTAGCCAGAACACGGGGATGGGGAAGAAAGGTCCTTTTCAGGGA[T>C]CCTGACCTGTTTGGAGAAGGAGTCCTCAAGTTCTGTGATGTCATTAGAAAACTCTCCAGA-3'

ClinVar aggregate classification (germline): Benign/Likely benign. Review status: criteria provided, multiple submitters, no conflicts (2 of 4 stars). 2 submissions from 2 submitters: Benign (1); Likely benign (1). Last evaluated 2026-04-01.

Conditions:
Intellectual developmental disorder, X-linked 1. Also called: Intellectual disability, X-linked 1; Atkin Flaitz Patil Smith syndrome; MENTAL RETARDATION, X-LINKED 18; MENTAL RETARDATION, X-LINKED 78. Identifiers: Orphanet 777, MedGen C2931498, MONDO:0010656, OMIM 309530.

Allele frequency attached by ClinVar (database versions not stated): gnomAD exomes 0.00001 and 0.00004; ExAC 0.00006; TOPMed 0.00002; gnomAD 0.00001.
gnomAD v4.1: 14 of 1,193,856 alleles (0.0012%); highest among the groups gnomAD compares: Admixed American, 0.014%; no homozygotes.

Submissions (2):

CeGaT Center for Human Genetics Tuebingen
Classification: Likely benign. Last evaluated: 2026-04-01. Review status: criteria provided, single submitter. Criteria: CeGaT Center For Human Genetics Tuebingen Variant Classification Criteria Version 2. Collection method: clinical testing. Allele origin: germline. Affected: yes. Observed: 1 variant allele.
Comment: IQSEC2: BP4, BS2

Labcorp Genetics (formerly Invitae), Labcorp
Classification: Benign for Intellectual developmental disorder, X-linked 1. Last evaluated: 2025-08-20. Review status: criteria provided, single submitter. Criteria: Invitae Variant Classification Sherloc (09022015). Collection method: clinical testing. Allele origin: germline.